The following is an entry in ClinVar:

ClinVar aggregate classification (germline): Uncertain significance (1 of 4 stars; one submission).

Allele frequency attached by ClinVar (database versions not stated): gnomAD exomes below 0.00001; TOPMed 0.00001.
gnomAD v4.1: 1 of 1,613,562 alleles (0.000062%); highest among the groups gnomAD compares: Non-Finnish European, 0.000085%; no homozygotes.

Submission:

Labcorp Genetics (formerly Invitae), Labcorp
Classification: Uncertain significance. Last evaluated: 2024-12-02. Review status: criteria provided, single submitter. Criteria: Invitae Variant Classification Sherloc (09022015). Collection method: clinical testing. Allele origin: germline.
Comment: This sequence change replaces asparagine, which is neutral and polar, with serine, which is neutral and polar, at codon 640 of the OCA2 protein (p.Asn640Ser). This variant is not present in population databases (gnomAD no frequency). This variant has not been reported in the literature in individuals affected with OCA2-related conditions. ClinVar contains an entry for this variant (Variation ID: 2037425). Invitae Evidence Modeling of protein sequence and biophysical properties (such as structural, functional, and spatial information, amino acid conservation, physicochemical variation, residue mobility, and thermodynamic stability) indicates that this missense variant is not expected to disrupt OCA2 protein function with a negative predictive value of 80%. In summary, the available evidence is currently insufficient to determine the role of this variant in disease. Therefore, it has been classified as a Variant of Uncertain Significance.

NM_000275.3(OCA2):c.1919A>G (p.Asn640Ser)

Gene: OCA2 (OCA2 melanosomal transmembrane protein; minus strand). Cytogenetic location: 15q13.1.
Variant type: single nucleotide variant.
Coding change: c.1919A>G on transcript NM_000275.3 (MANE Select); coding-DNA position 1919, A replaced by G.
Protein change: p.Asn640Ser; replaces asparagine 640 with serine.
Molecular consequence: missense variant.
Genome position (GRCh38, 1-based): chr15:27,951,816, T>C on the plus strand (A>G on the coding strand, the complement: OCA2 is on the minus strand). VCF-style: chr15-27951816-T-C. GRCh37 (hg19) VCF-style: chr15-28196962-T-C.
Other names: c.1847A>G, p.Asn616Ser (NM_001300984.2); short protein forms N640S, N616S.
Identifiers: ClinVar variation 2037425 (VCV002037425.3), dbSNP rs1035017790, ClinGen allele CA267879947.